The following is an entry in ClinVar:

NM_001942.4(DSG1):c.2741C>G (p.Pro914Arg)

Genes: DSG1 (desmoglein 1; plus strand), DSG1-AS1 (DSG1 antisense RNA 1; minus strand). Cytogenetic location: 18q12.1.
Variant type: single nucleotide variant.
Coding change: c.2741C>G on transcript NM_001942.4 (MANE Select); coding-DNA position 2741, C replaced by G.
Protein change: p.Pro914Arg; replaces proline 914 with arginine.
Molecular consequence: missense variant.
Genome position (GRCh38, 1-based): chr18:31,354,937, C>G. VCF-style: chr18-31354937-C-G. GRCh37 (hg19) VCF-style: chr18-28934900-C-G.
Other names: short protein forms P914R.
Identifiers: ClinVar variation 1515401 (VCV001515401.8), dbSNP rs1300516031, ClinGen allele CA402124344.

ClinVar aggregate classification (germline): Uncertain significance (1 of 4 stars; one submission).

Allele frequency attached by ClinVar (database versions not stated): gnomAD exomes below 0.00001.
gnomAD v4.1: 1 of 1,614,170 alleles (0.000062%); highest among the groups gnomAD compares: East Asian, 0.0022%; no homozygotes.

Submission:

Labcorp Genetics (formerly Invitae), Labcorp
Classification: Uncertain significance. Last evaluated: 2023-06-03. Review status: criteria provided, single submitter. Criteria: Invitae Variant Classification Sherloc (09022015). Collection method: clinical testing. Allele origin: germline.
Comment: This variant has not been reported in the literature in individuals affected with DSG1-related conditions. This sequence change replaces proline, which is neutral and non-polar, with arginine, which is basic and polar, at codon 914 of the DSG1 protein (p.Pro914Arg). This variant is present in population databases (no rsID available, gnomAD 0.006%). ClinVar contains an entry for this variant (Variation ID: 1515401). An algorithm developed to predict the effect of missense changes on protein structure and function (PolyPhen-2) suggests that this variant is likely to be disruptive. In summary, the available evidence is currently insufficient to determine the role of this variant in disease. Therefore, it has been classified as a Variant of Uncertain Significance.